The following is an entry in ClinVar:

ClinVar aggregate classification (germline): Uncertain significance (1 of 4 stars; one submission).

Submission:

GeneDx
Classification: Uncertain significance. Last evaluated: 2017-10-26. Review status: criteria provided, single submitter. Criteria: GeneDx Variant Classification (06012015). Collection method: clinical testing. Allele origin: germline. Affected: yes.
Comment: p.Trp232Cys (TGG>TGC): c.696 G>C in exon 6 of the SMAD3 gene (NM_005902.3). Mutations in the SMAD3 gene have been associated with aneurysms-osteoarthritis syndrome (AOS) and account for approximately 2% of cases with autosomal dominant familial TAAD, including Loeys-Dietz syndrome (Regalado E et al., 2011). The W232C variant has not been published as a mutation nor reported as a benign polymorphism to our knowledge. The W232C variant was not observed in approximately 6500 individuals of European and African American ancestry in the NHLBI Exome Sequencing Project, indicating it is not a common benign variant in these populations. The W232C variant is a non-conservative amino acid substitution, which is likely to impact secondary protein structure as these residues differ in polarity, charge, size and/or other properties. This substitution occurs at a position that is conserved across species. In silico analysis predicts this variant is probably damaging to the protein structure/function. A missense mutation in a nearby residue (E239K) has been reported in association with TAAD, supporting the functional importance of this region of the protein. Therefore, this variant is a strong candidate for a pathogenic mutation, however the possibility that it is a benign variant cannot be excluded. This variant was found in TAAD

NM_005902.4(SMAD3):c.696G>C (p.Trp232Cys)

Gene: SMAD3 (SMAD family member 3; plus strand). Cytogenetic location: 15q22.33.
Variant type: single nucleotide variant.
Coding change: c.696G>C on transcript NM_005902.4 (MANE Select); coding-DNA position 696, G replaced by C.
Protein change: p.Trp232Cys; replaces tryptophan 232 with cysteine.
Molecular consequence: missense variant.
Genome position (GRCh38, 1-based): chr15:67,181,278, G>C. VCF-style: chr15-67181278-G-C. GRCh37 (hg19) VCF-style: chr15-67473616-G-C.
Other names: p.W232C:TGG>TGC; c.381G>C, p.Trp127Cys (NM_001145102.2); c.564G>C, p.Trp188Cys (NM_001145103.2); c.111G>C, p.Trp37Cys (NM_001145104.2); short protein forms W232C, W127C, W37C, W188C.
Identifiers: ClinVar variation 213760 (VCV000213760.2), dbSNP rs778356642, ClinGen allele CA323169.